The following is an entry in ClinVar:

NM_001291303.3(FAT4):c.876G>A (p.Glu292=)

Gene: FAT4 (FAT atypical cadherin 4; plus strand). Cytogenetic location: 4q28.1.
Variant type: single nucleotide variant.
Coding change: c.876G>A on transcript NM_001291303.3 (MANE Select); coding-DNA position 876, G replaced by A.
Protein change: p.Glu292=; no amino-acid change (glutamic acid 292 retained).
Molecular consequence: synonymous variant.
Genome position (GRCh38, 1-based): chr4:125,317,287, G>A. VCF-style: chr4-125317287-G-A. GRCh37 (hg19) VCF-style: chr4-126238442-G-A.
Other names: c.876G>A (NM_024582.4); c.876G>A, p.Glu292= (NM_001291285.3, NM_024582.6).
Identifiers: ClinVar variation 1945449 (VCV001945449.6), dbSNP rs1560752487, ClinGen allele CA441366070.

ClinVar aggregate classification (germline): Likely benign. Review status: criteria provided, single submitter (1 of 4 stars). 2 submissions from 2 submitters: Likely benign (1). 1 of the submissions does not count toward it. Last evaluated 2025-05-25.

Conditions:
FAT4-related disorder. Also called: FAT4-related condition.

Allele frequency attached by ClinVar (database versions not stated): gnomAD exomes below 0.00001.
gnomAD v4.1: 3 of 1,593,010 alleles (0.00019%); highest among the groups gnomAD compares: Non-Finnish European, 0.00017%; no homozygotes.

Submissions (2):

Labcorp Genetics (formerly Invitae), Labcorp
Classification: Likely benign. Last evaluated: 2025-05-25. Review status: criteria provided, single submitter. Criteria: Invitae Variant Classification Sherloc (09022015). Collection method: clinical testing. Allele origin: germline.

PreventionGenetics, part of Exact Sciences
Classification: Likely benign for FAT4-related condition. Last evaluated: 2019-05-14. Review status: no assertion criteria provided. Collection method: clinical testing. Allele origin: germline. Not counted in ClinVar's aggregate classification.
Comment: This variant is classified as likely benign based on ACMG/AMP sequence variant interpretation guidelines (Richards et al. 2015 PMID: 25741868, with internal and published modifications).